The following is an entry in ClinVar:

ClinVar aggregate classification (germline): Likely benign (1 of 4 stars; one submission).

Conditions:
SEMA3D-related disorder. Also called: SEMA3D-related condition.

gnomAD v4.1: 11 of 1,608,932 alleles (0.00068%); highest among the groups gnomAD compares: Non-Finnish European, 0.00093%; no homozygotes.

Submission:

PreventionGenetics, part of Exact Sciences
Classification: Likely benign for SEMA3D-related condition. Last evaluated: 2026-04-20. Review status: criteria provided, single submitter. Criteria: ACMG Guidelines, 2015. Collection method: clinical testing. Allele origin: germline.
Comment: This variant is classified as likely benign based on ACMG/AMP sequence variant interpretation guidelines (Richards et al. 2015 PMID: 25741868, with internal and published modifications).

NM_001384900.1(SEMA3D):c.84C>A (p.Thr28=)

Gene: SEMA3D (semaphorin 3D; minus strand). Cytogenetic location: 7q21.11.
Variant type: single nucleotide variant.
Coding change: c.84C>A on transcript NM_001384900.1 (MANE Select); coding-DNA position 84, C replaced by A.
Protein change: p.Thr28=; no amino-acid change (threonine 28 retained).
Molecular consequence: synonymous variant.
Genome position (GRCh38, 1-based): chr7:85,121,808, G>T on the plus strand (C>A on the coding strand, the complement: SEMA3D is on the minus strand). VCF-style: chr7-85121808-G-T. GRCh37 (hg19) VCF-style: chr7-84751124-G-T.
Other names: c.84C>A, p.Thr28= (NM_001384901.1, NM_001384902.1, NM_001384903.1 and 1 more transcripts).
Identifiers: ClinVar variation 4984802 (VCV004984802.1).